The following is an entry in ClinVar:

NM_001114753.3(ENG):c.-153G>A

Gene: ENG (endoglin; minus strand). Cytogenetic location: 9q34.11.
Variant type: single nucleotide variant.
Coding change: c.-153G>A on transcript NM_001114753.3 (MANE Select); 153 bases upstream of the start codon, G replaced by A.
Molecular consequence: 5 prime UTR variant.
Genome position (GRCh38, 1-based): chr9:127,854,508, C>T on the plus strand (G>A on the coding strand, the complement: ENG is on the minus strand). VCF-style: chr9-127854508-C-T. GRCh37 (hg19) VCF-style: chr9-130616787-C-T.
Other names: c.-153G>A (NM_000118.4, NM_001406715.1).
Identifiers: ClinVar variation 4798076 (VCV004798076.1).

ClinVar aggregate classification (germline): Uncertain significance (1 of 4 stars; one submission).

Conditions:
Hereditary hemorrhagic telangiectasia (HHT). Also called: ORW DISEASE; Osler Weber Rendu syndrome; OSLER-RENDU-WEBER DISEASE; Osler hemorrhagic telangiectasia syndrome. Identifiers: Orphanet 774, MedGen C0039445, MONDO:0019180. Disease mechanism: loss of function.

gnomAD v4.1: 60 of 762,472 alleles (0.0079%); highest among the groups gnomAD compares: South Asian, 0.1%; no homozygotes.

Submission:

Labcorp Genetics (formerly Invitae), Labcorp
Classification: Uncertain significance for Hereditary hemorrhagic telangiectasia. Last evaluated: 2025-06-18. Review status: criteria provided, single submitter. Criteria: Invitae Variant Classification Sherloc (09022015). Collection method: clinical testing. Allele origin: germline.
Comment: This variant occurs in a non-coding region of the ENG gene. It does not change the encoded amino acid sequence of the ENG protein. This variant is not present in population databases (gnomAD no frequency). This variant has not been reported in the literature in individuals affected with ENG-related conditions. In summary, the available evidence is currently insufficient to determine the role of this variant in disease. Therefore, it has been classified as a Variant of Uncertain Significance.